The following is an entry in ClinVar:

ClinVar aggregate classification (germline): Uncertain significance (1 of 4 stars; one submission).

Conditions:
Developmental and epileptic encephalopathy, 62. Also called: Early infantile epileptic encephalopathy 62. Identifiers: MedGen C4693699, MONDO:0033371, OMIM 617938.
Epilepsy, familial focal, with variable foci 4 (FFEVF4). Identifiers: MedGen C4693694, MONDO:0054776, OMIM 617935.

Submission:

Center for Genomics, Ann and Robert H. Lurie Children's Hospital of Chicago
Classification: Uncertain significance for Epilepsy, familial focal, with variable foci 4; Developmental and epileptic encephalopathy, 62. Review status: criteria provided, single submitter. Criteria: ACMG Guidelines, 2015. Collection method: clinical testing. Allele origin: germline.
Comment: SCN3A NM_006922.3 exon 28 p.Arg1912= (c.5734A>C): This variant has not been reported in the literature and is not present in large control databases. Evolutionary conservation and computational predictive tools for this variant are limited or unavailable. Of note, this variant is a silent variant and does not change the amino acid, reducing the probability that this variant is disease causing. In summary, data on this variant is insufficient for disease classification. Therefore, the clinical significance of this variant is uncertain.

NM_006922.4(SCN3A):c.5734A>C (p.Arg1912=)

Gene: SCN3A (sodium voltage-gated channel alpha subunit 3; minus strand). Cytogenetic location: 2q24.3.
Variant type: single nucleotide variant.
Coding change: c.5734A>C on transcript NM_006922.4 (MANE Select); coding-DNA position 5734, A replaced by C.
Protein change: p.Arg1912=; no amino-acid change (arginine 1912 retained).
Molecular consequence: synonymous variant.
Genome position (GRCh38, 1-based): chr2:165,090,419, T>G on the plus strand (A>C on the coding strand, the complement: SCN3A is on the minus strand). VCF-style: chr2-165090419-T-G. GRCh37 (hg19) VCF-style: chr2-165946929-T-G.
Other names: c.5587A>C, p.Arg1863= (NM_001081676.2, NM_001081677.2).
Identifiers: ClinVar variation 1675128 (VCV001675128.3), dbSNP rs1553517046, ClinGen allele CA429726283.